The following is an entry in ClinVar:

NM_033109.5(PNPT1):c.1381G>A (p.Val461Ile)

Gene: PNPT1 (polyribonucleotide nucleotidyltransferase 1; minus strand). Cytogenetic location: 2p16.1.
Variant type: single nucleotide variant.
Coding change: c.1381G>A on transcript NM_033109.5 (MANE Select); coding-DNA position 1381, G replaced by A.
Protein change: p.Val461Ile; replaces valine 461 with isoleucine.
Molecular consequence: missense variant.
Genome position (GRCh38, 1-based): chr2:55,656,191, C>T on the plus strand (G>A on the coding strand, the complement: PNPT1 is on the minus strand). VCF-style: chr2-55656191-C-T. GRCh37 (hg19) VCF-style: chr2-55883326-C-T.
Other names: short protein forms V461I.
Identifiers: ClinVar variation 1394108 (VCV001394108.6), dbSNP rs1696381336, ClinGen allele CA346927122.
Genomic context (GRCh38, chr2:55,656,191, plus strand): 5'-CATTTGACTCTAGGACTTCAGATGTAACTCTTATGGTGAAAGGAAAATCTCGGGGAATAA[C>T]AGGATACAAAGCTTTCTCAGCAAGAGCACCTAAATTAGAATAGAAAACAATAAGTAAAAA-3'
Protein context (NP_149100.2, residues 451-471): GALAEKALYP[Val461Ile]IPRDFPFTIR

ClinVar aggregate classification (germline): Uncertain significance (1 of 4 stars; one submission).

Submission:

Labcorp Genetics (formerly Invitae), Labcorp
Classification: Uncertain significance. Last evaluated: 2021-11-03. Review status: criteria provided, single submitter. Criteria: Invitae Variant Classification Sherloc (09022015). Collection method: clinical testing. Allele origin: germline.
Comment: This sequence change replaces valine, which is neutral and non-polar, with isoleucine, which is neutral and non-polar, at codon 461 of the PNPT1 protein (p.Val461Ile). This variant is not present in population databases (gnomAD no frequency). This variant has not been reported in the literature in individuals affected with PNPT1-related conditions. Algorithms developed to predict the effect of missense changes on protein structure and function output the following: SIFT: "Tolerated"; PolyPhen-2: "Benign"; Align-GVGD: "Class C0". The isoleucine amino acid residue is found in multiple mammalian species, which suggests that this missense change does not adversely affect protein function. In summary, the available evidence is currently insufficient to determine the role of this variant in disease. Therefore, it has been classified as a Variant of Uncertain Significance.